The following is an entry in ClinVar:

ClinVar aggregate classification (germline): Uncertain significance (1 of 4 stars; one submission).

Conditions:
Tyrosinemia type I (TYRSN1). Also called: Tyrosinemia type 1; Fumarylacetoacetase deficiency; Deficiency of fumarylacetoacetase; FAH DEFICIENCY; HEPATORENAL TYROSINEMIA. Identifiers: Orphanet 882, MedGen C0268490, MONDO:0010161, OMIM 276700. Disease mechanism: loss of function.

Allele frequency attached by ClinVar (database versions not stated): gnomAD exomes 0.00002 and 0.00004; ExAC 0.00003; ESP Exome Variant Server 0.00008.
gnomAD v4.1: 11 of 1,610,346 alleles (0.00068%); highest among the groups gnomAD compares: South Asian, 0.012%; no homozygotes.

Submission:

Labcorp Genetics (formerly Invitae), Labcorp
Classification: Uncertain significance for Tyrosinemia type I. Last evaluated: 2021-09-01. Review status: criteria provided, single submitter. Criteria: Invitae Variant Classification Sherloc (09022015). Collection method: clinical testing. Allele origin: germline.
Comment: This sequence change replaces methionine with isoleucine at codon 326 of the FAH protein (p.Met326Ile). The methionine residue is moderately conserved and there is a small physicochemical difference between methionine and isoleucine. This variant is present in population databases (rs374655382, ExAC 0.02%). This variant has not been reported in the literature in individuals affected with FAH-related conditions. Algorithms developed to predict the effect of missense changes on protein structure and function output the following: SIFT: "Tolerated"; PolyPhen-2: "Benign"; Align-GVGD: "Class C0". The isoleucine amino acid residue is found in multiple mammalian species, which suggests that this missense change does not adversely affect protein function. In summary, the available evidence is currently insufficient to determine the role of this variant in disease. Therefore, it has been classified as a Variant of Uncertain Significance.

NM_000137.4(FAH):c.978G>T (p.Met326Ile)

Gene: FAH (fumarylacetoacetate hydrolase; plus strand). Cytogenetic location: 15q25.1.
Variant type: single nucleotide variant.
Coding change: c.978G>T on transcript NM_000137.4 (MANE Select); coding-DNA position 978, G replaced by T.
Protein change: p.Met326Ile; replaces methionine 326 with isoleucine.
Molecular consequence: missense variant.
Genome position (GRCh38, 1-based): chr15:80,180,141, G>T. VCF-style: chr15-80180141-G-T. GRCh37 (hg19) VCF-style: chr15-80472483-G-T.
Other names: c.978G>T, p.Met326Ile (NM_001374377.1, NM_001374380.1); short protein forms M326I.
Identifiers: ClinVar variation 1442850 (VCV001442850.5), dbSNP rs374655382, ClinGen allele CA7691431.